The following is an entry in ClinVar:

ClinVar aggregate classification (germline): Uncertain significance. Review status: criteria provided, multiple submitters, no conflicts (2 of 4 stars). 2 submissions from 2 submitters: Uncertain significance (2). Last evaluated 2026-04-08.

Submissions (2):

Greenwood Genetic Center Diagnostic Laboratories, Greenwood Genetic Center
Classification: Uncertain significance. Last evaluated: 2026-04-08. Review status: criteria provided, single submitter. Criteria: ACMG Guidelines, 2015. Collection method: clinical testing. Allele origin: germline.
Comment: PM2, BP4

Labcorp Genetics (formerly Invitae), Labcorp
Classification: Uncertain significance. Last evaluated: 2024-05-08. Review status: criteria provided, single submitter. Criteria: Invitae Variant Classification Sherloc (09022015). Collection method: clinical testing. Allele origin: germline.
Comment: This sequence change replaces proline, which is neutral and non-polar, with serine, which is neutral and polar, at codon 447 of the ASXL1 protein (p.Pro447Ser). This variant is not present in population databases (gnomAD no frequency). This variant has not been reported in the literature in individuals affected with ASXL1-related conditions. Algorithms developed to predict the effect of missense changes on protein structure and function output the following: SIFT: "Not Available"; PolyPhen-2: "Benign"; Align-GVGD: "Not Available". The serine amino acid residue is found in multiple mammalian species, which suggests that this missense change does not adversely affect protein function. In summary, the available evidence is currently insufficient to determine the role of this variant in disease. Therefore, it has been classified as a Variant of Uncertain Significance.

NM_015338.6(ASXL1):c.1339C>T (p.Pro447Ser)

Gene: ASXL1 (ASXL transcriptional regulator 1; plus strand). Cytogenetic location: 20q11.21.
Variant type: single nucleotide variant.
Coding change: c.1339C>T on transcript NM_015338.6 (MANE Select); coding-DNA position 1339, C replaced by T.
Protein change: p.Pro447Ser; replaces proline 447 with serine.
Molecular consequence: missense variant.
Genome position (GRCh38, 1-based): chr20:32,433,537, C>T. VCF-style: chr20-32433537-C-T. GRCh37 (hg19) VCF-style: chr20-31021340-C-T.
Other names: c.1156C>T, p.Pro386Ser (NM_001363734.1); short protein forms P386S, P447S.
Identifiers: ClinVar variation 3652632 (VCV003652632.3).